The following is an entry in ClinVar:

NM_003049.4(SLC10A1):c.682dup (p.Leu228fs)

Gene: SLC10A1 (solute carrier family 10 member 1; minus strand). Cytogenetic location: 14q24.1.
Variant type: Duplication.
Coding change: c.682dup on transcript NM_003049.4 (MANE Select); coding-DNA position 682, one base duplicated (C; older notation c.682dupC).
Protein change: p.Leu228fs; shifts the reading frame from leucine 228.
Molecular consequence: frameshift variant.
Genome position (GRCh38, 1-based): chr14:69,779,246, G duplicated on the plus strand (C on the coding strand, the reverse complement: SLC10A1 is on the minus strand); the first of 3 consecutive G bases (chr14:69,779,246-69,779,248); duplicating any one gives the same sequence. VCF-style (leftmost placement, unchanged base first): chr14-69779245-A-AG. GRCh37 (hg19) VCF-style: chr14-70245962-A-AG.
Other names: short protein forms L228fs.
Identifiers: ClinVar variation 3358124 (VCV003358124.1).
Genomic context (GRCh38, chr14:69,779,245, plus strand): 5'-CCATTGAGGCAGAAGAGAGCAGAGAGAACATAACCCAGCAGAAAGCCAATAAAAGGCATC[A>AG]GGGAGGAGGTGGCAATCAAGAGTGGTGTCATGGCAAACATGATGCTCTTCCCCACATTGA-3'

ClinVar aggregate classification (germline): Likely pathogenic (0 of 4 stars; one submission).

Conditions:
SLC10A1-related disorder. Also called: SLC10A1-related condition.

Submission:

PreventionGenetics, part of Exact Sciences
Classification: Likely pathogenic for SLC10A1-related condition. Last evaluated: 2024-08-16. Review status: no assertion criteria provided. Collection method: clinical testing. Allele origin: germline.
Comment: The SLC10A1 c.682dupC variant is predicted to result in a frameshift and premature protein termination (p.Leu228Profs*50). To our knowledge, this variant has not been reported in the literature or in a large population database, indicating this variant is rare. Frameshift variants in SLC10A1 are expected to be pathogenic. This variant is interpreted as likely pathogenic.